The following is an entry in ClinVar:

ClinVar aggregate classification (germline): Uncertain significance (1 of 4 stars; one submission).

Conditions:
Inborn genetic diseases. Identifiers: MedGen C0950123, MeSH D030342.

Submission:

Ambry Genetics
Classification: Uncertain significance for Inborn genetic diseases. Last evaluated: 2025-01-17. Review status: criteria provided, single submitter. Criteria: Ambry Variant Classification Scheme 2023. Collection method: clinical testing. Allele origin: germline.
Comment: The p.T474R variant (also known as c.1421C>G), located in coding exon 11 of the BUB1B gene, results from a C to G substitution at nucleotide position 1421. The threonine at codon 474 is replaced by arginine, an amino acid with similar properties. This amino acid position is conserved. In addition, this alteration is predicted to be tolerated by in silico analysis. Based on the available evidence, the clinical significance of this variant remains unclear.

NM_001211.6(BUB1B):c.1421C>G (p.Thr474Arg)

Gene: BUB1B (BUB1 mitotic checkpoint serine/threonine kinase B; plus strand). Cytogenetic location: 15q15.1.
Variant type: single nucleotide variant.
Coding change: c.1421C>G on transcript NM_001211.6 (MANE Select); coding-DNA position 1421, C replaced by G.
Protein change: p.Thr474Arg; replaces threonine 474 with arginine.
Molecular consequence: missense variant.
Genome position (GRCh38, 1-based): chr15:40,200,263, C>G. VCF-style: chr15-40200263-C-G. GRCh37 (hg19) VCF-style: chr15-40492464-C-G.
Other names: short protein forms T474R.
Identifiers: ClinVar variation 3826097 (VCV003826097.1).